The following is an entry in ClinVar:

NM_000091.5(COL4A3):c.521G>T (p.Gly174Val)

Genes: COL4A3 (collagen type IV alpha 3 chain; plus strand), MFF-DT (MFF divergent transcript; minus strand). Cytogenetic location: 2q36.3.
Variant type: single nucleotide variant.
Coding change: c.521G>T on transcript NM_000091.5 (MANE Select); coding-DNA position 521, G replaced by T.
Protein change: p.Gly174Val; replaces glycine 174 with valine.
Molecular consequence: missense variant.
Genome position (GRCh38, 1-based): chr2:227,248,495, G>T. VCF-style: chr2-227248495-G-T. GRCh37 (hg19) VCF-style: chr2-228113211-G-T.
Other names: short protein forms G174V.
Identifiers: ClinVar variation 4800360 (VCV004800360.1).
Genomic context (GRCh38, chr2:227,248,495, plus strand): 5'-TTTTCAAGGGTGCTCCTGCTAAAGAAGAAGATATAGAACTTGATGCAAAAGGCGACCCCG[G>T]GTTGCCAGGGGCTCCAGGACCCCAGGTACAGCACTTCAGAGAAGGTCCCTATTATTCTCA-3'
Protein context (NP_000082.2, residues 164-184): DIELDAKGDP[Gly174Val]LPGAPGPQGL

ClinVar aggregate classification (germline): Uncertain significance (1 of 4 stars; one submission).

gnomAD v4.1: 1 of 1,613,316 alleles (0.000062%); no homozygotes.

Submission:

Labcorp Genetics (formerly Invitae), Labcorp
Classification: Uncertain significance. Last evaluated: 2025-07-24. Review status: criteria provided, single submitter. Criteria: Invitae Variant Classification Sherloc (09022015). Collection method: clinical testing. Allele origin: germline.
Comment: This sequence change replaces glycine, which is neutral and non-polar, with valine, which is neutral and non-polar, at codon 174 of the COL4A3 protein (p.Gly174Val). This variant is not present in population databases (gnomAD no frequency). This missense change has been observed in individual(s) with clinical features of Alport syndrome and/or hematuria (PMID: 34400539; internal data). Invitae Evidence Modeling of protein sequence and biophysical properties (such as structural, functional, and spatial information, amino acid conservation, physicochemical variation, residue mobility, and thermodynamic stability) has been performed for this missense variant. However, the output from this modeling did not meet the statistical confidence thresholds required to predict the impact of this variant on COL4A3 protein function. This variant disrupts the p.Gly174 amino acid residue in COL4A3. Other variant(s) that disrupt this residue have been observed in individuals with COL4A3-related conditions (internal data), which suggests that this may be a clinically significant amino acid residue. In summary, the available evidence is currently insufficient to determine the role of this variant in disease. Therefore, it has been classified as a Variant of Uncertain Significance.

Literature cited by the submitters: PubMed 34400539.